The following is an entry in ClinVar:

ClinVar aggregate classification (germline): Benign (1 of 4 stars; one submission).

Conditions:
Leigh syndrome (NULS). Also called: Leigh's necrotizing encephalopathy; Leigh's disease; Leigh's syndrome; LEIGH SYNDROME, NUCLEAR; Leigh Syndrome (mtDNA deletion); Leigh Disease. Identifiers: Orphanet 506, MedGen C2931891, MONDO:0009723, OMIM 256000.

Submission:

Wong Mito Lab, Molecular and Human Genetics, Baylor College of Medicine
Classification: Benign for Leigh syndrome. Last evaluated: 2019-10-17. Review status: criteria provided, single submitter. Criteria: Modified ACMG Guidelines (Unpublished). Collection method: clinical testing. Allele origin: germline.
Comment: The NC_012920.1:m.14634T>C (YP_003024037.1:p.Met14Val) variant in MTND6 gene is interpretated to be a Benign variant based on the modified ACMG guidelines (unpublished). This variant meets the following evidence codes: BS1, BS2, BP4

NC_012920.1(MT-ND6):m.14634T>C

Gene: MT-ND6 (mitochondrially encoded NADH dehydrogenase 6; minus strand).
Variant type: single nucleotide variant.
Genome position: chrM-14634-T-C.
Identifiers: ClinVar variation 693749 (VCV000693749.1), dbSNP rs1603224816, ClinGen allele CA414823371.